The following is an entry in ClinVar:

NM_000051.4(ATM):c.1370G>T (p.Arg457Leu)

Gene: ATM (ATM serine/threonine kinase; plus strand). Cytogenetic location: 11q22.3.
Variant type: single nucleotide variant.
Coding change: c.1370G>T on transcript NM_000051.4 (MANE Select); coding-DNA position 1370, G replaced by T.
Protein change: p.Arg457Leu; replaces arginine 457 with leucine.
Molecular consequence: missense variant.
Genome position (GRCh38, 1-based): chr11:108,250,835, G>T. VCF-style: chr11-108250835-G-T. GRCh37 (hg19) VCF-style: chr11-108121562-G-T.
Other names: c.1370G>T, p.Arg457Leu (NM_001351834.2); short protein forms R457L.
Identifiers: ClinVar variation 219530 (VCV000219530.30), dbSNP rs780097986, ClinGen allele CA348487.
Genomic context (GRCh38, chr11:108,250,835, plus strand): 5'-TGATACTATCTCAGCTTCTACCCCAACAGCGACATGGGGAACGTACACCATATGTGTTAC[G>T]ATGCCTTACGGAAGTTGCATTGTGTCAAGACAAGAGGTCAAACCTAGAAAGCTCACAAAA-3'
Protein context (NP_000042.3, residues 447-467): RHGERTPYVL[Arg457Leu]CLTEVALCQD

ClinVar aggregate classification (germline): Uncertain significance. Review status: criteria provided, multiple submitters, no conflicts (2 of 4 stars). 11 submissions from 11 submitters: Uncertain significance (10). 1 of the submissions does not count toward it. Last evaluated 2025-10-29.

Conditions:
Hereditary cancer-predisposing syndrome. Also called: Hereditary Cancer Syndrome; Tumor predisposition; Neoplastic Syndromes, Hereditary; Hereditary neoplastic syndrome. Identifiers: Orphanet 140162, MedGen C0027672, MeSH D009386, MONDO:0015356.
Ataxia-telangiectasia syndrome (AT). Also called: Ataxia telangiectasia (A-T); Cerebello-oculocutaneous telangiectasia; Immunodeficiency with ataxia telangiectasia; Ataxia-telangiectasia; LOUIS-BAR SYNDROME; Ataxia-telangiectasia, complementation group D. Identifiers: Orphanet 100, MedGen C0004135, MONDO:0008840, OMIM 208900.
Familial cancer of breast. Also called: hereditary breast carcinoma; BREAST CANCER, FAMILIAL; Hereditary breast cancer. Identifiers: Orphanet 227535, MedGen C0346153, MONDO:0016419, OMIM 114480. Disease mechanism: loss of function.

gnomAD v4.1: 13 of 1,613,966 alleles (0.00081%); highest among the groups gnomAD compares: Middle Eastern, 0.049%; 1 homozygote.

Submissions (11):

Color Diagnostics, LLC DBA Color Health
Classification: Uncertain significance for Hereditary cancer-predisposing syndrome. Last evaluated: 2025-10-29. Review status: criteria provided, single submitter. Criteria: ACMG Guidelines, 2015. Collection method: clinical testing. Allele origin: germline.
Comment: This missense variant replaces arginine with leucine at codon 457 of the ATM protein. Computational prediction suggests that this variant may not impact protein structure and function. To our knowledge, functional studies have not been reported for this variant. This variant has been reported in individuals affected with breast cancer (PMID: 33471991). This variant has been identified in 13/1613966 chromosomes in the general population by the Genome Aggregation Database (gnomAD). The available evidence is insufficient to determine the role of this variant in disease conclusively. Therefore, this variant is classified as a Variant of Uncertain Significance.

Labcorp Genetics (formerly Invitae), Labcorp
Classification: Uncertain significance for Ataxia-telangiectasia syndrome. Last evaluated: 2024-09-02. Review status: criteria provided, single submitter. Criteria: Invitae Variant Classification Sherloc (09022015). Collection method: clinical testing. Allele origin: germline.
Comment: This sequence change replaces arginine, which is basic and polar, with leucine, which is neutral and non-polar, at codon 457 of the ATM protein (p.Arg457Leu). This variant is present in population databases (no rsID available, gnomAD 0.003%). This variant has not been reported in the literature in individuals affected with ATM-related conditions. ClinVar contains an entry for this variant (Variation ID: 219530). An algorithm developed to predict the effect of missense changes on protein structure and function (PolyPhen-2) suggests that this variant¬†is likely to be tolerated. In summary, the available evidence is currently insufficient to determine the role of this variant in disease. Therefore, it has been classified as a Variant of Uncertain Significance.

Quest Diagnostics Nichols Institute San Juan Capistrano
Classification: Uncertain significance. Last evaluated: 2024-06-24. Review status: criteria provided, single submitter. Criteria: Quest Diagnostics criteria. Collection method: clinical testing. Allele origin: unknown.

Ambry Genetics
Classification: Uncertain significance for Hereditary cancer-predisposing syndrome. Last evaluated: 2024-06-11. Review status: criteria provided, single submitter. Criteria: Ambry Variant Classification Scheme 2023. Collection method: clinical testing. Allele origin: germline.
Comment: The p.R457L variant (also known as c.1370G>T), located in coding exon 9 of the ATM gene, results from a G to T substitution at nucleotide position 1370. The arginine at codon 457 is replaced by leucine, an amino acid with dissimilar properties. This amino acid position is well conserved in available vertebrate species. In addition, the in silico prediction for this alteration is inconclusive. Since supporting evidence is limited at this time, the clinical significance of this alteration remains unclear.

Blueprint Genetics
Classification: Uncertain significance. Last evaluated: 2024-02-20. Review status: criteria provided, single submitter. Criteria: ACMG Guidelines, 2015. Collection method: clinical testing. Allele origin: germline.

KCCC/NGS Laboratory, Kuwait Cancer Control Center
Classification: Uncertain significance for Familial cancer of breast. Last evaluated: 2023-07-07. Review status: criteria provided, single submitter. Criteria: ACMG Guidelines, 2015. Collection method: clinical testing. Allele origin: unknown. Affected: yes.
Comment: This sequence change replaces arginine with leucine at codon 457 of the ATM protein (p.Arg457Leu). The arginine residue is moderately conserved and there is a moderate physicochemical difference between arginine and leucine. This variant is not present in population databases (gnomAD). This variant has not been reported in the literature in individuals with ATM-related disease. ClinVar contains an entry for this variant (Variation ID: 219530). Algorithms developed to predict the effect of missense changes on protein structure and function (SIFT, PolyPhen-2, Align- GVGD) all suggest that this variant is likely to be tolerated, but these predictions have not been confirmed by published functional studies and their clinical significance is uncertain.

Revvity Omics, Revvity
Classification: Uncertain significance for Ataxia-telangiectasia syndrome. Last evaluated: 2023-03-31. Review status: criteria provided, single submitter. Criteria: ACMG Guidelines, 2015. Collection method: clinical testing. Allele origin: germline.

MGZ Medical Genetics Center
Classification: Uncertain significance for Familial cancer of breast. Last evaluated: 2022-04-21. Review status: criteria provided, single submitter. Criteria: ACMG Guidelines, 2015. Collection method: clinical testing. Allele origin: germline. Affected: yes. Observed: 1 variant allele.
Comment: ACMG criteria applied: PM2_SUP, BP4

GeneDx
Classification: Uncertain significance. Last evaluated: 2020-11-24. Review status: criteria provided, single submitter. Criteria: GeneDx Variant Classification Process June 2021. Collection method: clinical testing. Allele origin: germline. Affected: yes.
Comment: Not observed at a significant frequency in large population cohorts (Lek 2016); In silico analysis supports that this missense variant has a deleterious effect on protein structure/function; Observed in an individual via whole exome sequencing; however, no personal health history was provided (Rodriguez-Flores 2014); This variant is associated with the following publications: (PMID: 24123366, 31422574)

Fulgent Genetics
Classification: Uncertain significance for Familial cancer of breast; Ataxia-telangiectasia syndrome. Last evaluated: 2018-10-31. Review status: criteria provided, single submitter. Criteria: ACMG Guidelines, 2015. Collection method: clinical testing. Allele origin: unknown.

Natera, Inc.
Classification: Uncertain significance for Ataxia-telangiectasia. Last evaluated: 2020-09-01. Review status: no assertion criteria provided. Collection method: clinical testing. Allele origin: germline. Not counted in ClinVar's aggregate classification.

Literature cited by the submitters: PubMed 33471991 (cited by Color Diagnostics, LLC DBA Color Health and Quest Diagnostics Nichols Institute San Juan Capistrano).